The following is an entry in ClinVar:

ClinVar aggregate classification (germline): Uncertain significance. Review status: criteria provided, multiple submitters, no conflicts (2 of 4 stars). 3 submissions from 3 submitters: Uncertain significance (3). Last evaluated 2025-10-02.

Conditions:
Inborn genetic diseases. Identifiers: MedGen C0950123, MeSH D030342.

Allele frequency attached by ClinVar (database versions not stated): gnomAD exomes 0.00001 and 0.00002; ExAC 0.00002; gnomAD 0.00006 and 0.00007; TOPMed 0.00010.
gnomAD v4.1: 20 of 1,613,810 alleles (0.0012%); highest among the groups gnomAD compares: African/African-American, 0.021%; no homozygotes.

Submissions (3):

Ambry Genetics
Classification: Uncertain significance for Inborn genetic diseases. Last evaluated: 2025-10-02. Review status: criteria provided, single submitter. Criteria: Ambry Variant Classification Scheme 2023. Collection method: clinical testing. Allele origin: germline.

Labcorp Genetics (formerly Invitae), Labcorp
Classification: Uncertain significance. Last evaluated: 2022-01-03. Review status: criteria provided, single submitter. Criteria: Invitae Variant Classification Sherloc (09022015). Collection method: clinical testing. Allele origin: germline.
Comment: In summary, the available evidence is currently insufficient to determine the role of this variant in disease. Therefore, it has been classified as a Variant of Uncertain Significance. Algorithms developed to predict the effect of missense changes on protein structure and function (SIFT, PolyPhen-2, Align-GVGD) all suggest that this variant is likely to be tolerated. This variant has not been reported in the literature in individuals affected with GRXCR1-related conditions. This variant is present in population databases (rs376879168, gnomAD 0.03%). This sequence change replaces glycine, which is neutral and non-polar, with arginine, which is basic and polar, at codon 36 of the GRXCR1 protein (p.Gly36Arg).

Breakthrough Genomics
Classification: Uncertain significance. Review status: criteria provided, single submitter. Criteria: ACMG Guidelines, 2015. Collection method: not provided. Allele origin: germline. Inheritance: Autosomal recessive inheritance. Affected: yes.

NM_001080476.3(GRXCR1):c.106G>A (p.Gly36Arg)

Gene: GRXCR1 (glutaredoxin and cysteine rich domain containing 1; plus strand). Cytogenetic location: 4p13.
Variant type: single nucleotide variant.
Coding change: c.106G>A on transcript NM_001080476.3 (MANE Select); coding-DNA position 106, G replaced by A.
Protein change: p.Gly36Arg; replaces glycine 36 with arginine.
Molecular consequence: missense variant.
Genome position (GRCh38, 1-based): chr4:42,893,372, G>A. VCF-style: chr4-42893372-G-A. GRCh37 (hg19) VCF-style: chr4-42895389-G-A.
Other names: c.106G>A (NM_001080476.2); short protein forms G36R.
Identifiers: ClinVar variation 1400817 (VCV001400817.9), dbSNP rs376879168, ClinGen allele CA2904317.
Genomic context (GRCh38, chr4:42,893,372, plus strand): 5'-GTCCGGTTTCGGATCGCGTCCTCTCACAGTGGGCGAGTTCTGAAGGAAGTGTATGAAGAT[G>A]GGCAACCGTCAGGCTCTCTGGATTCTGAATGTGCCAGTATCTGTGGGATAGATGGACTAG-3'
Protein context (NP_001073945.1, residues 26-46): GRVLKEVYED[Gly36Arg]QPSGSLDSEC